The following is an entry in ClinVar:

NM_001142966.3(GREB1L):c.3286G>A (p.Gly1096Arg)

Gene: GREB1L (GREB1 like retinoic acid receptor coactivator; plus strand). Cytogenetic location: 18q11.1.
Variant type: single nucleotide variant.
Coding change: c.3286G>A on transcript NM_001142966.3 (MANE Select); coding-DNA position 3286, G replaced by A.
Protein change: p.Gly1096Arg; replaces glycine 1096 with arginine.
Molecular consequence: missense variant.
Genome position (GRCh38, 1-based): chr18:21,496,593, G>A. VCF-style: chr18-21496593-G-A. GRCh37 (hg19) VCF-style: chr18-19076554-G-A.
Other names: c.3415G>A, p.Gly1139Arg (NM_001410867.1); c.2959G>A, p.Gly987Arg (NM_001410868.1); c.3286G>A (NM_001142966.1); short protein forms G987R, G1096R, G1139R.
Identifiers: ClinVar variation 2056058 (VCV002056058.6), dbSNP rs374032016, ClinGen allele CA8906570.

ClinVar aggregate classification (germline): Likely benign. Review status: criteria provided, single submitter (1 of 4 stars). 2 submissions from 2 submitters: Likely benign (1). 1 of the submissions does not count toward it. Last evaluated 2025-11-25.

Conditions:
GREB1L-related disorder. Also called: GREB1L-related condition.

Allele frequency attached by ClinVar (database versions not stated): gnomAD exomes 0.00012; gnomAD 0.00014; ExAC 0.00019; TOPMed 0.00022; 1000 Genomes Project 30x 0.00031; 1000 Genomes Project 0.00040.
gnomAD v4.1: 216 of 1,551,714 alleles (0.014%); highest among the groups gnomAD compares: East Asian, 0.11%; 1 homozygote.

Submissions (2):

Labcorp Genetics (formerly Invitae), Labcorp
Classification: Likely benign. Last evaluated: 2025-11-25. Review status: criteria provided, single submitter. Criteria: Invitae Variant Classification Sherloc (09022015). Collection method: clinical testing. Allele origin: germline.

PreventionGenetics, part of Exact Sciences
Classification: Likely benign for GREB1L-related condition. Last evaluated: 2019-11-08. Review status: no assertion criteria provided. Collection method: clinical testing. Allele origin: germline. Not counted in ClinVar's aggregate classification.
Comment: This variant is classified as likely benign based on ACMG/AMP sequence variant interpretation guidelines (Richards et al. 2015 PMID: 25741868, with internal and published modifications).